The following is an entry in ClinVar:

ClinVar aggregate classification (germline): Uncertain significance. Review status: criteria provided, multiple submitters, no conflicts (2 of 4 stars). 2 submissions from 2 submitters: Uncertain significance (2). Last evaluated 2025-04-02.

Conditions:
Multiple endocrine neoplasia type 4. Also called: MULTIPLE ENDOCRINE NEOPLASIA, TYPE IV. Identifiers: Orphanet 276152, MedGen C1970712, MONDO:0012552, OMIM 610755.

Submissions (2):

Quest Diagnostics Nichols Institute San Juan Capistrano
Classification: Uncertain significance. Last evaluated: 2025-04-02. Review status: criteria provided, single submitter. Criteria: Quest Diagnostics criteria. Collection method: clinical testing. Allele origin: unknown.
Comment: The CDKN1B c.193C>G (p.Gln65Glu) variant has been reported in the published literature in an individual with breast cancer (PMID: 33140857 (2021)). This variant has not been reported in large, multi-ethnic general populations (Genome Aggregation Database). Analysis of this variant using bioinformatics tools for the prediction of the effect of amino acid changes on protein structure and function yielded predictions that this variant is benign. Based on the available information, we are unable to determine the clinical significance of this variant.

Labcorp Genetics (formerly Invitae), Labcorp
Classification: Uncertain significance for Multiple endocrine neoplasia type 4. Last evaluated: 2024-04-25. Review status: criteria provided, single submitter. Criteria: Invitae Variant Classification Sherloc (09022015). Collection method: clinical testing. Allele origin: germline.
Comment: This sequence change replaces glutamine, which is neutral and polar, with glutamic acid, which is acidic and polar, at codon 65 of the CDKN1B protein (p.Gln65Glu). This variant is not present in population databases (gnomAD no frequency). This variant has not been reported in the literature in individuals affected with CDKN1B-related conditions. ClinVar contains an entry for this variant (Variation ID: 580572). An algorithm developed to predict the effect of missense changes on protein structure and function (PolyPhen-2) suggests that this variant is likely to be tolerated. RNA analysis performed to evaluate the impact of this missense change on mRNA splicing indicates it does not significantly alter splicing (Invitae). In summary, the available evidence is currently insufficient to determine the role of this variant in disease. Therefore, it has been classified as a Variant of Uncertain Significance.

Literature cited by the submitters: PubMed 33140857 (cited by Quest Diagnostics Nichols Institute San Juan Capistrano).

NM_004064.5(CDKN1B):c.193C>G (p.Gln65Glu)

Gene: CDKN1B (cyclin dependent kinase inhibitor 1B; plus strand). Cytogenetic location: 12p13.1.
Variant type: single nucleotide variant.
Coding change: c.193C>G on transcript NM_004064.5 (MANE Select); coding-DNA position 193, C replaced by G.
Protein change: p.Gln65Glu; replaces glutamine 65 with glutamic acid.
Molecular consequence: missense variant.
Genome position (GRCh38, 1-based): chr12:12,718,032, C>G. VCF-style: chr12-12718032-C-G. GRCh37 (hg19) VCF-style: chr12-12870966-C-G.
Other names: short protein forms Q65E.
Identifiers: ClinVar variation 580572 (VCV000580572.9), dbSNP rs1565419383, ClinGen allele CA383969391.